The following is an entry in ClinVar:

ClinVar aggregate classification (germline): Uncertain significance (0 of 4 stars; one submission).

Conditions:
COG4-related disorder. Also called: COG4-related condition.

Submission:

PreventionGenetics, part of Exact Sciences
Classification: Uncertain significance for COG4-related condition. Last evaluated: 2024-09-24. Review status: no assertion criteria provided. Collection method: clinical testing. Allele origin: germline.
Comment: The COG4 c.1712G>C variant is predicted to result in the amino acid substitution p.Ser571Thr. To our knowledge, this variant has not been reported in the literature or in a large population database, indicating this variant is rare. At this time, the clinical significance of this variant is uncertain due to the absence of conclusive functional and genetic evidence.

NM_015386.3(COG4):c.1712G>C (p.Ser571Thr)

Gene: COG4 (component of oligomeric golgi complex 4; minus strand). Cytogenetic location: 16q22.1.
Variant type: single nucleotide variant.
Coding change: c.1712G>C on transcript NM_015386.3 (MANE Select); coding-DNA position 1712, G replaced by C.
Protein change: p.Ser571Thr; replaces serine 571 with threonine.
Molecular consequence: missense variant. On other transcripts: non-coding transcript variant (1).
Genome position (GRCh38, 1-based): chr16:70,483,968, C>G on the plus strand (G>C on the coding strand, the complement: COG4 is on the minus strand). VCF-style: chr16-70483968-C-G. GRCh37 (hg19) VCF-style: chr16-70517871-C-G.
Other names: c.1637G>C, p.Ser546Thr (NM_001195139.2); c.1286G>C, p.Ser429Thr (NM_001365426.1); short protein forms S429T, S546T, S571T.
Identifiers: ClinVar variation 3347869 (VCV003347869.1).